The following is an entry in ClinVar:

ClinVar aggregate classification (germline): Likely pathogenic (1 of 4 stars; one submission).

Conditions:
LAMA2-related muscular dystrophy (LAMA2-RD). Also called: Laminin alpha 2-related dystrophy. Identifiers: MedGen C5679788, MONDO:0100228.

Submission:

Myriad Genetics, Inc.
Classification: Likely pathogenic for LAMA2-related muscular dystrophy. Last evaluated: 2022-02-12. Review status: criteria provided, single submitter. Criteria: Myriad Autosomal Dominant, Autosomal Recessive and X-Linked Classification Criteria (2023). Collection method: clinical testing. Allele origin: unknown.
Comment: NM_000426.3(LAMA2):c.7578_7579delTT(Y2527Hfs*3) is expected to be pathogenic in the context of muscular dystrophy, LAMA2-related. This variant is predicted to lead to an abnormal or absent protein product due to the creation of a premature termination codon in LAMA2, a gene where loss-of-function variants are known to be pathogenic. Please note: this variant was assessed in the context of healthy population screening.

NM_000426.4(LAMA2):c.7578_7579del (p.Tyr2527fs)

Gene: LAMA2 (laminin subunit alpha 2; plus strand). Cytogenetic location: 6q22.33.
Variant type: Deletion.
Coding change: c.7578_7579del on transcript NM_000426.4 (MANE Select); coding-DNA positions 7578 to 7579, 2 bases deleted (TT; older notation c.7578_7579delTT).
Protein change: p.Tyr2527fs; shifts the reading frame from tyrosine 2527.
Molecular consequence: frameshift variant.
Genome position (GRCh38, 1-based): chr6:129,481,268-129,481,269, TT deleted; deleting any 2 consecutive bases within chr6:129,481,267-129,481,269 gives the same sequence; the c. name uses the placement nearest the transcript's 3' end. VCF-style (leftmost placement, unchanged base first): chr6-129481266-GTT-G. GRCh37 (hg19) VCF-style: chr6-129802411-GTT-G.
Other names: c.7566_7567del, p.Tyr2523fs (NM_001079823.2); short protein forms Y2523fs, Y2527fs.
Identifiers: ClinVar variation 1724366 (VCV001724366.3), dbSNP rs2533477734, ClinGen allele CA2580075130.